The following is an entry in ClinVar:

NM_001378454.1(ALMS1):c.8114C>T (p.Pro2705Leu)

Gene: ALMS1 (ALMS1 centrosome and basal body associated protein; plus strand). Cytogenetic location: 2p13.1.
Variant type: single nucleotide variant.
Coding change: c.8114C>T on transcript NM_001378454.1 (MANE Select); coding-DNA position 8114, C replaced by T.
Protein change: p.Pro2705Leu; replaces proline 2705 with leucine.
Molecular consequence: missense variant.
Genome position (GRCh38, 1-based): chr2:73,490,073, C>T. VCF-style: chr2-73490073-C-T. GRCh37 (hg19) VCF-style: chr2-73717200-C-T.
Other names: c.8117C>T, p.Pro2706Leu (NM_015120.4); short protein forms P2705L, P2706L.
Identifiers: ClinVar variation 2637825 (VCV002637825.1), dbSNP rs2466214204, ClinGen allele CA347267503.

ClinVar aggregate classification (germline): Uncertain significance (1 of 4 stars; one submission).

Submission:

Women's Health and Genetics/Laboratory Corporation of America, LabCorp
Classification: Uncertain significance. Last evaluated: 2023-10-19. Review status: criteria provided, single submitter. Criteria: LabCorp Variant Classification Summary - May 2015. Collection method: clinical testing. Allele origin: germline.
Comment: Variant summary: ALMS1 c.8111C>T/p.Pro2704Leu (also known as c.8117C>T/p.Pro2706Leu) results in a non-conservative amino acid change in the encoded protein sequence. Three of four in-silico tools predict a benign effect of the variant on protein function. The variant was absent in 249554 control chromosomes. The available data on variant occurrences in the general population are insufficient to allow any conclusion about variant significance. c.8111C>T has been reported in the literature in individuals affected with Alstrom Syndrome. These report(s) do not provide unequivocal conclusions about association of the variant with Alstrom Syndrome. To our knowledge, no experimental evidence demonstrating an impact on protein function has been reported. No submitters have cited clinical-significance assessments for this variant to ClinVar after 2014. Based on the evidence outlined above, the variant was classified as uncertain significance.

Literature cited by the submitters: PubMed 32483926.